The following is an entry in ClinVar:

ClinVar aggregate classification (germline): Uncertain significance. Review status: criteria provided, multiple submitters, no conflicts (2 of 4 stars). 3 submissions from 3 submitters: Uncertain significance (3). Last evaluated 2024-05-23.

Conditions:
Multiple endocrine neoplasia, type 2 (MEN2). Identifiers: Orphanet 653, MedGen C4048306, MONDO:0019003. Disease mechanism: gain of function.
Hereditary cancer-predisposing syndrome. Also called: Hereditary Cancer Syndrome; Neoplastic Syndromes, Hereditary; Hereditary neoplastic syndrome; Tumor predisposition. Identifiers: Orphanet 140162, MedGen C0027672, MeSH D009386, MONDO:0015356.

Submissions (3):

Ambry Genetics
Classification: Uncertain significance for Hereditary cancer-predisposing syndrome. Last evaluated: 2024-05-23. Review status: criteria provided, single submitter. Criteria: Ambry Variant Classification Scheme 2023. Collection method: clinical testing. Allele origin: germline.
Comment: The p.Y146H variant (also known as c.436T>C), located in coding exon 3 of the RET gene, results from a T to C substitution at nucleotide position 436. The tyrosine at codon 146 is replaced by histidine, an amino acid with similar properties. This variant was reported in an individual with features consistent with Hirschsprung disease (Carter TC et al. J Hum Genet, 2012 Aug;57:485-93). This amino acid position is well conserved in available vertebrate species. In addition, this alteration is predicted to be tolerated by in silico analysis. Based on the available evidence, the clinical significance of this variant remains unclear.

All of Us Research Program, National Institutes of Health
Classification: Uncertain significance for Multiple endocrine neoplasia, type 2. Last evaluated: 2023-03-28. Review status: criteria provided, single submitter. Criteria: ACMG Guidelines, 2015. Collection method: clinical testing. Allele origin: germline. Inheritance: Autosomal dominant inheritance. Observed: 1 variant allele, 1 heterozygote.
Comment: This study involves interpretation of variants in research participants for the purpose of population health screening. Participant phenotype was not available at the time of variant classification. Additional details can be found in publication PMID: 35346344, PMCID: PMC8962531

Labcorp Genetics (formerly Invitae), Labcorp
Classification: Uncertain significance for Multiple endocrine neoplasia, type 2. Last evaluated: 2022-09-20. Review status: criteria provided, single submitter. Criteria: Invitae Variant Classification Sherloc (09022015). Collection method: clinical testing. Allele origin: germline.
Comment: This sequence change replaces tyrosine, which is neutral and polar, with histidine, which is basic and polar, at codon 146 of the RET protein (p.Tyr146His). This variant is not present in population databases (gnomAD no frequency). This missense change has been observed in individual(s) with Hirschsprung disease (PMID: 22648184). Algorithms developed to predict the effect of missense changes on protein structure and function (SIFT, PolyPhen-2, Align-GVGD) all suggest that this variant is likely to be tolerated. In summary, the available evidence is currently insufficient to determine the role of this variant in disease. Therefore, it has been classified as a Variant of Uncertain Significance.

Literature cited by the submitters: PubMed 22648184 (cited by Ambry Genetics and Labcorp Genetics (formerly Invitae), Labcorp).

NM_020975.6(RET):c.436T>C (p.Tyr146His)

Gene: RET (ret proto-oncogene; plus strand). Cytogenetic location: 10q11.21.
Variant type: single nucleotide variant.
Coding change: c.436T>C on transcript NM_020975.6 (MANE Select); coding-DNA position 436, T replaced by C.
Protein change: p.Tyr146His; replaces tyrosine 146 with histidine.
Molecular consequence: missense variant.
Genome position (GRCh38, 1-based): chr10:43,102,440, T>C. VCF-style: chr10-43102440-T-C. GRCh37 (hg19) VCF-style: chr10-43597888-T-C.
Other names: c.436T>C, p.Tyr146His (NM_000323.2, NM_001406743.1, NM_001406744.1 and 16 more transcripts); short protein forms Y146H.
Identifiers: ClinVar variation 2031394 (VCV002031394.6), dbSNP rs2132680501, ClinGen allele CA376770820.